The following is an entry in ClinVar:

ClinVar aggregate classification (germline): Benign/Likely benign. Review status: criteria provided, multiple submitters, no conflicts (2 of 4 stars). 15 submissions from 15 submitters: Benign (7); Likely benign (7). 1 of the submissions does not count toward it. Last evaluated 2026-08-01.

Conditions:
MEN1-related disorder. Also called: MEN1-related condition.
Hereditary cancer-predisposing syndrome. Also called: Neoplastic Syndromes, Hereditary; Tumor predisposition; Hereditary Cancer Syndrome; Hereditary neoplastic syndrome. Identifiers: Orphanet 140162, MedGen C0027672, MeSH D009386, MONDO:0015356.
Multiple endocrine neoplasia, type 1 (MEN1). Also called: MEN I; WERMER SYNDROME; Endocrine adenomatosis multiple; MEN 1; MEA I. Identifiers: Orphanet 652, MedGen C0025267, MeSH D018761, MONDO:0007540, OMIM 131100.

Allele frequency attached by ClinVar (database versions not stated): gnomAD 0.00003; TOPMed 0.00015; ExAC 0.00054.
gnomAD v4.1: 150 of 1,613,878 alleles (0.0093%); highest among the groups gnomAD compares: Admixed American, 0.18%; 1 homozygote.

Submissions (15):

CeGaT Center for Human Genetics Tuebingen
Classification: Likely benign. Last evaluated: 2026-08-01. Review status: criteria provided, single submitter. Criteria: CeGaT Center For Human Genetics Tuebingen Variant Classification Criteria Version 2. Collection method: clinical testing. Allele origin: germline. Affected: yes. Observed: 7 variant alleles.
Comment: MEN1: BP4, BP7, BS1

PreventionGenetics, part of Exact Sciences
Classification: Likely benign for MEN1-related condition. Last evaluated: 2026-06-16. Review status: criteria provided, single submitter. Criteria: ACMG Guidelines, 2015. Collection method: clinical testing. Allele origin: germline.
Comment: This variant is classified as likely benign based on ACMG/AMP sequence variant interpretation guidelines (Richards et al. 2015 PMID: 25741868, with internal and published modifications).

Labcorp Genetics (formerly Invitae), Labcorp
Classification: Benign for Multiple endocrine neoplasia, type 1. Last evaluated: 2026-02-03. Review status: criteria provided, single submitter. Criteria: Invitae Variant Classification Sherloc (09022015). Collection method: clinical testing. Allele origin: germline.

ARUP Laboratories, Molecular Genetics and Genomics, ARUP Laboratories
Classification: Benign. Last evaluated: 2025-02-27. Review status: criteria provided, single submitter. Criteria: ARUP Molecular Germline Variant Investigation Process 2024. Collection method: clinical testing. Allele origin: germline.

All of Us Research Program, National Institutes of Health
Classification: Likely benign for Multiple endocrine neoplasia, type 1. Last evaluated: 2024-01-11. Review status: criteria provided, single submitter. Criteria: ACMG Guidelines, 2015. Collection method: clinical testing. Allele origin: germline. Inheritance: Autosomal dominant inheritance. Observed: 29 variant alleles, 29 heterozygotes.
Comment: This study involves interpretation of variants in research participants for the purpose of population health screening. Participant phenotype was not available at the time of variant classification. Additional details can be found in publication PMID: 35346344, PMCID: PMC8962531

Women's Health and Genetics/Laboratory Corporation of America, LabCorp
Classification: Benign. Last evaluated: 2023-12-27. Review status: criteria provided, single submitter. Criteria: LabCorp Variant Classification Summary - May 2015. Collection method: clinical testing. Allele origin: germline.

Myriad Genetics, Inc.
Classification: Benign for Multiple endocrine neoplasia, type 1. Last evaluated: 2023-04-17. Review status: criteria provided, single submitter. Criteria: Myriad Autosomal Dominant, Autosomal Recessive and X-Linked Classification Criteria (2023). Collection method: clinical testing. Allele origin: unknown.
Comment: This variant is considered benign. This variant is a silent/synonymous amino acid change and it is not expected to impact splicing.

Blueprint Genetics
Classification: Likely benign. Last evaluated: 2023-03-29. Review status: criteria provided, single submitter. Criteria: ACMG Guidelines, 2015. Collection method: clinical testing. Allele origin: germline.

Color Diagnostics, LLC DBA Color Health
Classification: Likely benign for Multiple endocrine neoplasia, type 1. Last evaluated: 2022-11-06. Review status: criteria provided, single submitter. Criteria: ACMG Guidelines, 2015. Collection method: clinical testing. Allele origin: germline.

Quest Diagnostics Nichols Institute San Juan Capistrano
Classification: Benign. Last evaluated: 2022-06-09. Review status: criteria provided, single submitter. Criteria: Quest Diagnostics criteria. Collection method: clinical testing. Allele origin: unknown.
Comment: The frequency of this variant in the general population is higher than would generally be expected for pathogenic variants in this gene. Computational tools yielded predictions that this variant is unlikely to have an effect on normal RNA splicing. This nucleotide position exhibits low evolutionary conservation.

Sema4
Classification: Benign for Hereditary cancer-predisposing syndrome. Last evaluated: 2021-12-29. Review status: criteria provided, single submitter. Criteria: Sema4 Curation Guidelines. Collection method: curation. Allele origin: germline.

Eurofins Ntd Llc (ga)
Classification: Likely benign. Last evaluated: 2017-10-12. Review status: criteria provided, single submitter. Criteria: EGL Classification Definitions 2015. Collection method: clinical testing. Allele origin: germline. Observed: 1 variant allele, 1 heterozygote.

Ambry Genetics
Classification: Likely benign for Hereditary cancer-predisposing syndrome. Last evaluated: 2015-09-25. Review status: criteria provided, single submitter. Criteria: Ambry Variant Classification Scheme 2023. Collection method: clinical testing. Allele origin: germline.

GeneDx
Classification: Benign. Last evaluated: 2015-03-03. Review status: criteria provided, single submitter. Criteria: GeneDx Variant Classification Process June 2021. Collection method: clinical testing. Allele origin: germline. Affected: yes.

Counsyl
Classification: Likely benign for Multiple endocrine neoplasia, type 1. Last evaluated: 2017-05-25. Review status: no assertion criteria provided. Collection method: clinical testing. Allele origin: unknown. Not counted in ClinVar's aggregate classification.

NM_001370259.2(MEN1):c.1170G>A (p.Pro390=)

Gene: MEN1 (menin 1; minus strand). Cytogenetic location: 11q13.1.
Variant type: single nucleotide variant.
Coding change: c.1170G>A on transcript NM_001370259.2 (MANE Select); coding-DNA position 1170, G replaced by A.
Protein change: p.Pro390=; no amino-acid change (proline 390 retained).
Molecular consequence: synonymous variant.
Genome position (GRCh38, 1-based): chr11:64,805,650, C>T on the plus strand (G>A on the coding strand, the complement: MEN1 is on the minus strand). VCF-style: chr11-64805650-C-T. GRCh37 (hg19) VCF-style: chr11-64573122-C-T.
Other names: c.1185G>A, p.Pro395= (NM_000244.4, NM_130800.3, NM_130801.3 and 3 more transcripts); c.1296G>A, p.Pro432= (NM_001370251.2); c.1170G>A, p.Pro390= (NM_001370260.2, NM_001370261.2, NM_130799.3); c.1065G>A, p.Pro355= (NM_001370262.2, NM_001370263.2).
Identifiers: ClinVar variation 215540 (VCV000215540.46), dbSNP rs587780841, ClinGen allele CA060100.